The following is an entry in ClinVar:

ClinVar aggregate classification (germline): Likely pathogenic (1 of 4 stars; one submission).

Conditions:
alpha Thalassemia. Also called: Alpha thalassemia spectrum. Identifiers: Orphanet 846, MedGen C0002312, MONDO:0011399, OMIM 604131.

Submission:

Natera, Inc.
Classification: Likely pathogenic for Alpha thalassemia. Last evaluated: 2025-05-23. Review status: criteria provided, single submitter. Criteria: Natera Variant Classification Schema (03/2026). Collection method: clinical testing. Allele origin: germline.
Comment: The c.155_167delGCTCTGCCCAGGT variant in HBA1 is a frameshift variant predicted to shift the reading frame beginning at codon 52 and leads to a stop codon 12 codons downstream. This variant is expected to result in nonsense mediated decay, truncation, or a dysfunctional protein product. This variant is rare in the general population with a frequency below the threshold expected for the associated phenotype(s). Given the available evidence, this variant is classified as Likely Pathogenic.

NM_000558.5(HBA1):c.155_167del (p.Gly52fs)

Genes: HBA1 (hemoglobin subunit alpha 1; plus strand), LOC106804613 (hemoglobin subunit alpha 1 recombination region; plus strand). Cytogenetic location: 16p13.3.
Variant type: Deletion.
Coding change: c.155_167del on transcript NM_000558.5 (MANE Select); coding-DNA positions 155 to 167, 13 bases deleted (GCTCTGCCCAGGT).
Protein change: p.Gly52fs; shifts the reading frame from glycine 52.
Molecular consequence: frameshift variant.
Genome position (GRCh38, 1-based): chr16:176,988-177,000, GCTCTGCCCAGGT deleted. VCF-style (leftmost placement, unchanged base first): chr16-176987-GGCTCTGCCCAGGT-G. GRCh37 (hg19) VCF-style: chr16-226986-GGCTCTGCCCAGGT-G.
Other names: short protein forms G52fs.
Identifiers: ClinVar variation 4814377 (VCV004814377.1).